The following is an entry in ClinVar:

ClinVar aggregate classification (germline): Benign/Likely benign. Review status: criteria provided, multiple submitters, no conflicts (2 of 4 stars). 6 submissions from 6 submitters: Benign (1); Likely benign (4). 1 of the submissions does not count toward it. Last evaluated 2026-09-01.

Conditions:
GLI2-related disorder. Also called: GLI2-related condition; GLI2-related disorders.
Holoprosencephaly 9 (HPE9). Also called: PITUITARY ANOMALIES WITH HOLOPROSENCEPHALY-LIKE FEATURES; HOLOPROSENCEPHALY WITH MICROPHTHALMIA AND FIRST BRANCHIAL ARCH ANOMALIES. Identifiers: Orphanet 2162, MedGen C1835819, MONDO:0012563, OMIM 610829.
Postaxial polydactyly-anterior pituitary anomalies-facial dysmorphism syndrome. Also called: Culler-Jones syndrome. Identifiers: Orphanet 420584, MedGen C4014479, MONDO:0014369, OMIM 615849.

Allele frequency attached by ClinVar (database versions not stated): 1000 Genomes Project 30x 0.00016; 1000 Genomes Project 0.00020; gnomAD 0.00072 and 0.00073; TOPMed 0.00074; ESP Exome Variant Server 0.00077; gnomAD exomes 0.00078 and 0.00087; ExAC 0.00089.
gnomAD v4.1: 1,274 of 1,611,362 alleles (0.079%); highest among the groups gnomAD compares: South Asian, 0.084%; 3 homozygotes.

Submissions (6):

CeGaT Center for Human Genetics Tuebingen
Classification: Likely benign. Last evaluated: 2026-09-01. Review status: criteria provided, single submitter. Criteria: CeGaT Center For Human Genetics Tuebingen Variant Classification Criteria Version 2. Collection method: clinical testing. Allele origin: germline. Affected: yes. Observed: 11 variant alleles.
Comment: GLI2: BP4, BP7, BS1

Labcorp Genetics (formerly Invitae), Labcorp
Classification: Benign for Postaxial polydactyly-anterior pituitary anomalies-facial dysmorphism syndrome; Holoprosencephaly 9. Last evaluated: 2026-01-18. Review status: criteria provided, single submitter. Criteria: Invitae Variant Classification Sherloc (09022015). Collection method: clinical testing. Allele origin: germline.

Blueprint Genetics
Classification: Likely benign. Last evaluated: 2024-11-26. Review status: criteria provided, single submitter. Criteria: ACMG Guidelines, 2015. Collection method: clinical testing. Allele origin: germline.

Illumina Laboratory Services, Illumina
Classification: Likely benign for Holoprosencephaly 9. Last evaluated: 2018-01-13. Review status: criteria provided, single submitter. Criteria: ICSL Variant Classification Criteria 13 December 2019. Collection method: clinical testing. Allele origin: germline.
Comment: This variant was observed in the ICSL laboratory as part of a predisposition screen in an ostensibly healthy population. It had not been previously curated by ICSL or reported in the Human Gene Mutation Database (HGMD: prior to June 1st, 2018), and was therefore a candidate for classification through an automated scoring system. Utilizing variant allele frequency, disease prevalence and penetrance estimates, and inheritance mode, an automated score was calculated to assess if this variant is too frequent to cause the disease. Based on the score and internal cut-off values, a variant classified as likely benign is not then subjected to further curation. The score for this variant resulted in a classification of likely benign for this disease.

Eurofins Ntd Llc (ga)
Classification: Likely benign. Last evaluated: 2017-05-17. Review status: criteria provided, single submitter. Criteria: EGL Classification Definitions 2015. Collection method: clinical testing. Allele origin: germline. Observed: 2 variant alleles, 2 heterozygotes.

PreventionGenetics, part of Exact Sciences
Classification: Benign for GLI2-related condition. Last evaluated: 2023-06-22. Review status: no assertion criteria provided. Collection method: clinical testing. Allele origin: germline. Not counted in ClinVar's aggregate classification.
Comment: This variant is classified as benign based on ACMG/AMP sequence variant interpretation guidelines (Richards et al. 2015 PMID: 25741868, with internal and published modifications).

NM_001374353.1(GLI2):c.3979C>T (p.Leu1327=)

Gene: GLI2 (GLI family zinc finger 2; plus strand). Cytogenetic location: 2q14.2.
Variant type: single nucleotide variant.
Coding change: c.3979C>T on transcript NM_001374353.1 (MANE Select); coding-DNA position 3979, C replaced by T.
Protein change: p.Leu1327=; no amino-acid change (leucine 1327 retained).
Molecular consequence: synonymous variant.
Genome position (GRCh38, 1-based): chr2:120,989,944, C>T. VCF-style: chr2-120989944-C-T. GRCh37 (hg19) VCF-style: chr2-121747520-C-T.
Other names: c.4030C>T, p.Leu1344= (NM_001371271.1, NM_005270.5); c.3604C>T, p.Leu1202= (NM_001374354.1).
Identifiers: ClinVar variation 282213 (VCV000282213.63), dbSNP rs149290823, ClinGen allele CA1852528.